The following is an entry in ClinVar:

NM_001098511.3(KIF2A):c.1003T>G (p.Ser335Ala)

Gene: KIF2A (kinesin family member 2A; plus strand). Cytogenetic location: 5q12.1.
Variant type: single nucleotide variant.
Coding change: c.1003T>G on transcript NM_001098511.3 (MANE Select); coding-DNA position 1003, T replaced by G.
Protein change: p.Ser335Ala; replaces serine 335 with alanine.
Molecular consequence: missense variant.
Genome position (GRCh38, 1-based): chr5:62,361,505, T>G. VCF-style: chr5-62361505-T-G. GRCh37 (hg19) VCF-style: chr5-61657332-T-G.
Other names: c.922T>G, p.Ser308Ala (NM_001243952.2); c.946T>G, p.Ser316Ala (NM_001243953.2); c.1003T>G, p.Ser335Ala (NM_004520.5); short protein forms S316A, S335A, S308A.
Identifiers: ClinVar variation 1460698 (VCV001460698.8), dbSNP rs2111954204, ClinGen allele CA359950567.

ClinVar aggregate classification (germline): Uncertain significance (1 of 4 stars; one submission).

Submission:

Labcorp Genetics (formerly Invitae), Labcorp
Classification: Uncertain significance. Last evaluated: 2024-01-08. Review status: criteria provided, single submitter. Criteria: Invitae Variant Classification Sherloc (09022015). Collection method: clinical testing. Allele origin: germline.
Comment: This sequence change replaces serine, which is neutral and polar, with alanine, which is neutral and non-polar, at codon 335 of the KIF2A protein (p.Ser335Ala). This variant is not present in population databases (gnomAD no frequency). This variant has not been reported in the literature in individuals affected with KIF2A-related conditions. ClinVar contains an entry for this variant (Variation ID: 1460698). An algorithm developed to predict the effect of missense changes on protein structure and function (PolyPhen-2) suggests that this variant is likely to be tolerated. In summary, the available evidence is currently insufficient to determine the role of this variant in disease. Therefore, it has been classified as a Variant of Uncertain Significance.